The following is an entry in ClinVar:

NM_000094.4(COL7A1):c.1906+1G>T

Gene: COL7A1 (collagen type VII alpha 1 chain; minus strand). Cytogenetic location: 3p21.31.
Variant type: single nucleotide variant.
Coding change: c.1906+1G>T on transcript NM_000094.4 (MANE Select); the canonical splice donor site of the intron after coding-DNA position 1906, G replaced by T.
Molecular consequence: splice donor variant.
Genome position (GRCh38, 1-based): chr3:48,590,458, C>A on the plus strand (G>T on the coding strand, the complement: COL7A1 is on the minus strand). VCF-style: chr3-48590458-C-A. GRCh37 (hg19) VCF-style: chr3-48627891-C-A.
Identifiers: ClinVar variation 2111193 (VCV002111193.5), dbSNP rs755961162, ClinGen allele CA2381079.
Genomic context (GRCh38, chr3:48,590,458, plus strand): 5'-CCTCTGGCACCCATACCCTCATTGGTCCCTTTGGCAGTCCCCCCACACACCCCACACTGA[C>A]CACTGCCTGTGCTCCAGCTAATCCGAAATCCACTGGCTCCAGGGACGGGTCCCCAGGCCA-3'

ClinVar aggregate classification (germline): Likely pathogenic. Review status: criteria provided, multiple submitters, no conflicts (2 of 4 stars). 2 submissions from 2 submitters: Likely pathogenic (2). Last evaluated 2024-05-02.

Conditions:
Nonsyndromic congenital nail disorder 8. Also called: TOENAIL DYSTROPHY, ISOLATED. Identifiers: MedGen C1843761, MONDO:0011852, OMIM 607523.
Dominant dystrophic epidermolysis bullosa with absence of skin. Also called: EPIDERMOLYSIS BULLOSA WITH CONGENITAL LOCALIZED ABSENCE OF SKIN AND DEFORMITY OF NAILS; EPIDERMOLYSIS BULLOSA DYSTROPHICA, BART TYPE. Identifiers: MedGen C0268371, MONDO:0007557, OMIM 132000.
Pretibial dystrophic epidermolysis bullosa. Also called: EPIDERMOLYSIS BULLOSA DYSTROPHICA, PRETIBIAL; Pretibial epidermolysis bullosa; Pretibial blistering. Identifiers: Orphanet 79410, MedGen C0432321, MONDO:0007552, OMIM 131850, HP:0012221.
Recessive dystrophic epidermolysis bullosa (RDEB). Also called: DYSTROPHIC EPIDERMOLYSIS BULLOSA, AUTOSOMAL RECESSIVE; EPIDERMOLYSIS BULLOSA DYSTROPHICA, HALLOPEAU-SIEMENS TYPE; Hallopeau-Siemens Disease; severe generalized recessive dystrophic epidermolysis bullosa; Epidermolysis Bullosa Distrophica Autosomal Recessive (RDEB); EPIDERMOLYSIS BULLOSA DYSTROPHICA, GENERALIZED SEVERE, AUTOSOMAL RECESSIVE. Identifiers: Orphanet 79408, Orphanet 79409, MedGen C0079474, MONDO:0009179, OMIM 226600.
Transient bullous dermolysis of the newborn (TBDN). Also called: DYSTROPHIC EPIDERMOLYSIS BULLOSA, NEONATAL; EPIDERMOLYSIS BULLOSA DYSTROPHICA, NEONATAL FORM. Identifiers: Orphanet 79411, MedGen C1851573, MONDO:0007548, OMIM 131705.
Epidermolysis bullosa pruriginosa. Also called: DEB, PRURIGINOSA; DYSTROPHIC EPIDERMOLYSIS BULLOSA PRURIGINOSA. Identifiers: Orphanet 89843, MedGen C1275114, MONDO:0011398, OMIM 604129.
Generalized dominant dystrophic epidermolysis bullosa (DDEB). Also called: DDEB, generalized; DDEB-gen; DYSTROPHIC EPIDERMOLYSIS BULLOSA, AUTOSOMAL DOMINANT; Epidermolysis bullosa dystrophica, autosomal dominant; Dominant DEB (DDEB). Identifiers: Orphanet 231568, MedGen C0432322, MONDO:0007549, OMIM 131750.

Allele frequency attached by ClinVar (database versions not stated): gnomAD exomes below 0.00001; ExAC 0.00001.
gnomAD v4.1: 6 of 1,614,174 alleles (0.00037%); highest among the groups gnomAD compares: South Asian, 0.0066%; no homozygotes.

Submissions (2):

Fulgent Genetics
Classification: Likely pathogenic for Transient bullous dermolysis of the newborn; Generalized dominant dystrophic epidermolysis bullosa; Pretibial dystrophic epidermolysis bullosa; Dominant dystrophic epidermolysis bullosa with absence of skin; Recessive dystrophic epidermolysis bullosa; Epidermolysis bullosa pruriginosa; Nonsyndromic congenital nail disorder 8. Last evaluated: 2024-05-02. Review status: criteria provided, single submitter. Criteria: ACMG Guidelines, 2015. Collection method: clinical testing. Allele origin: germline.

Labcorp Genetics (formerly Invitae), Labcorp
Classification: Likely pathogenic. Last evaluated: 2022-03-13. Review status: criteria provided, single submitter. Criteria: Invitae Variant Classification Sherloc (09022015). Collection method: clinical testing. Allele origin: germline.
Comment: In summary, the currently available evidence indicates that the variant is pathogenic, but additional data are needed to prove that conclusively. Therefore, this variant has been classified as Likely Pathogenic. Algorithms developed to predict the effect of sequence changes on RNA splicing suggest that this variant may disrupt the consensus splice site. This variant has not been reported in the literature in individuals affected with COL7A1-related conditions. This variant is present in population databases (rs755961162, gnomAD 0.003%). This sequence change affects a donor splice site in intron 14 of the COL7A1 gene. It is expected to disrupt RNA splicing. Variants that disrupt the donor or acceptor splice site typically lead to a loss of protein function (PMID: 16199547), and loss-of-function variants in COL7A1 are known to be pathogenic (PMID: 16971478).

Literature cited by the submitters: PubMed 16199547 (cited by Labcorp Genetics (formerly Invitae), Labcorp); PubMed 16971478 (cited by Labcorp Genetics (formerly Invitae), Labcorp).